The following is an entry in ClinVar:

ClinVar aggregate classification (germline): Uncertain significance. Review status: criteria provided, multiple submitters, no conflicts (2 of 4 stars). 2 submissions from 2 submitters: Uncertain significance (2). Last evaluated 2024-03-21.

Conditions:
DICER1-related tumor predisposition. Also called: DICER1-related pleuropulmonary blastoma cancer predisposition syndrome; DICER1 syndrome. Identifiers: Orphanet 284343, MedGen C3839822, MONDO:0100216.
Hereditary cancer-predisposing syndrome. Also called: Hereditary neoplastic syndrome; Tumor predisposition; Hereditary Cancer Syndrome; Neoplastic Syndromes, Hereditary. Identifiers: Orphanet 140162, MedGen C0027672, MeSH D009386, MONDO:0015356.

Submissions (2):

Ambry Genetics
Classification: Uncertain significance for Hereditary cancer-predisposing syndrome. Last evaluated: 2024-03-21. Review status: criteria provided, single submitter. Criteria: Ambry Variant Classification Scheme 2023. Collection method: clinical testing. Allele origin: germline.
Comment: The p.M684R variant (also known as c.2051T>G), located in coding exon 12 of the DICER1 gene, results from a T to G substitution at nucleotide position 2051. The methionine at codon 684 is replaced by arginine, an amino acid with similar properties. This amino acid position is conserved. In addition, the in silico prediction for this alteration is inconclusive. Based on the available evidence, the clinical significance of this alteration remains unclear.

Labcorp Genetics (formerly Invitae), Labcorp
Classification: Uncertain significance for DICER1-related tumor predisposition. Last evaluated: 2022-12-06. Review status: criteria provided, single submitter. Criteria: Invitae Variant Classification Sherloc (09022015). Collection method: clinical testing. Allele origin: germline.
Comment: In summary, the available evidence is currently insufficient to determine the role of this variant in disease. Therefore, it has been classified as a Variant of Uncertain Significance. Advanced modeling of protein sequence and biophysical properties (such as structural, functional, and spatial information, amino acid conservation, physicochemical variation, residue mobility, and thermodynamic stability) performed at Invitae indicates that this missense variant is expected to disrupt DICER1 protein function. ClinVar contains an entry for this variant (Variation ID: 1428490). This variant has not been reported in the literature in individuals affected with DICER1-related conditions. This variant is not present in population databases (gnomAD no frequency). This sequence change replaces methionine, which is neutral and non-polar, with arginine, which is basic and polar, at codon 684 of the DICER1 protein (p.Met684Arg).

NM_177438.3(DICER1):c.2051T>G (p.Met684Arg)

Gene: DICER1 (dicer 1, ribonuclease III; minus strand). Cytogenetic location: 14q32.13.
Variant type: single nucleotide variant.
Coding change: c.2051T>G on transcript NM_177438.3 (MANE Select); coding-DNA position 2051, T replaced by G.
Protein change: p.Met684Arg; replaces methionine 684 with arginine.
Molecular consequence: missense variant.
Genome position (GRCh38, 1-based): chr14:95,112,237, A>C on the plus strand (T>G on the coding strand, the complement: DICER1 is on the minus strand). VCF-style: chr14-95112237-A-C. GRCh37 (hg19) VCF-style: chr14-95578574-A-C.
Other names: c.2051T>G (NM_177438.2); c.2051T>G, p.Met684Arg (NM_001195573.1, NM_001271282.3, NM_001291628.2 and 1 more transcripts); short protein forms M684R.
Identifiers: ClinVar variation 1428490 (VCV001428490.8), dbSNP rs1319798252, ClinGen allele CA390883126.
Genomic context (GRCh38, chr14:95,112,237, plus strand): 5'-TTGTGCAGTTTCTCACAGCAAATGAGAGCTACAACTCTTTCAGCCAATCGTACACAGCTC[A>C]TTGGTGGACCCTGAAAATAACAAAAACCTTTCCATTATATATGCACATCGCTGTATTACC-3'
Protein context (NP_803187.1, residues 674-694): PLRASIVGPP[Met684Arg]SCVRLAERVV